The following is an entry in ClinVar:

ClinVar aggregate classification (germline): Conflicting classifications of pathogenicity. Review status: criteria provided, conflicting classifications (1 of 4 stars). 4 submissions from 4 submitters: Uncertain significance (3); Likely benign (1). Last evaluated 2024-04-22.

Conditions:
Joubert syndrome 3 (JBTS3). Also called: AHI1-related Ciliopathy. Identifiers: Orphanet 220493, MedGen C1837713, MONDO:0012078, OMIM 608629.
Inborn genetic diseases. Identifiers: MedGen C0950123, MeSH D030342.
Joubert syndrome. Also called: JOUBERT-BOLTSHAUSER SYNDROME; Familial aplasia of the vermis. Identifiers: Orphanet 475, MedGen C5979921, MONDO:0018772.

Allele frequency attached by ClinVar (database versions not stated): gnomAD 0.00002; gnomAD exomes 0.00002 and 0.00007; TOPMed 0.00004; ExAC 0.00009.

Submissions (4):

Blueprint Genetics
Classification: Uncertain significance. Last evaluated: 2024-04-22. Review status: criteria provided, single submitter. Criteria: ACMG Guidelines, 2015. Collection method: clinical testing. Allele origin: germline.

Ambry Genetics
Classification: Likely benign for Inborn genetic diseases. Last evaluated: 2023-05-05. Review status: criteria provided, single submitter. Criteria: Ambry Variant Classification Scheme 2023. Collection method: clinical testing. Allele origin: germline.

Labcorp Genetics (formerly Invitae), Labcorp
Classification: Uncertain significance for Joubert syndrome. Last evaluated: 2022-11-01. Review status: criteria provided, single submitter. Criteria: Invitae Variant Classification Sherloc (09022015). Collection method: clinical testing. Allele origin: germline.
Comment: This sequence change replaces alanine, which is neutral and non-polar, with threonine, which is neutral and polar, at codon 1024 of the AHI1 protein (p.Ala1024Thr). The frequency data for this variant in the population databases is considered unreliable, as metrics indicate poor data quality at this position in the gnomAD database. This variant has not been reported in the literature in individuals affected with AHI1-related conditions. ClinVar contains an entry for this variant (Variation ID: 1390662). Advanced modeling of protein sequence and biophysical properties (such as structural, functional, and spatial information, amino acid conservation, physicochemical variation, residue mobility, and thermodynamic stability) performed at Invitae indicates that this missense variant is not expected to disrupt AHI1 protein function. In summary, the available evidence is currently insufficient to determine the role of this variant in disease. Therefore, it has been classified as a Variant of Uncertain Significance.

Fulgent Genetics
Classification: Uncertain significance for Joubert syndrome 3. Last evaluated: 2022-05-13. Review status: criteria provided, single submitter. Criteria: ACMG Guidelines, 2015. Collection method: clinical testing. Allele origin: unknown.

NM_001134831.2(AHI1):c.3070G>A (p.Ala1024Thr)

Gene: AHI1 (Abelson helper integration site 1; minus strand). Cytogenetic location: 6q23.3.
Variant type: single nucleotide variant.
Coding change: c.3070G>A on transcript NM_001134831.2 (MANE Select); coding-DNA position 3070, G replaced by A.
Protein change: p.Ala1024Thr; replaces alanine 1024 with threonine.
Molecular consequence: missense variant.
Genome position (GRCh38, 1-based): chr6:135,394,815, C>T on the plus strand (G>A on the coding strand, the complement: AHI1 is on the minus strand). VCF-style: chr6-135394815-C-T. GRCh37 (hg19) VCF-style: chr6-135715953-C-T.
Other names: c.3070G>A, p.Ala1024Thr (NM_001134830.2, NM_001134832.2, NM_001350503.2 and 2 more transcripts); short protein forms A1024T.
Identifiers: ClinVar variation 1390662 (VCV001390662.7), dbSNP rs750383545, ClinGen allele CA4012179.
Genomic context (GRCh38, chr6:135,394,815, plus strand): 5'-CAAAGTAAGAAAGGGGCTCACCGGTCTGAGTGAAACCAAACTGATGTAGAATCTCTTGAG[C>T]GGTCAGCATGTTTGACTGCTTTAACTTAGACTGTTGTGAGGAAACTGCTGGTGGTGAAGT-3'
Protein context (NP_001128303.1, residues 1014-1034): SKLKQSNMLT[Ala1024Thr]QEILHQFGFT